The following is an entry in ClinVar:

NM_001379291.1(BRD4):c.3179G>A (p.Arg1060His)

Gene: BRD4 (bromodomain containing 4; minus strand). Cytogenetic location: 19p13.12.
Variant type: single nucleotide variant.
Coding change: c.3179G>A on transcript NM_001379291.1 (MANE Select); coding-DNA position 3179, G replaced by A.
Protein change: p.Arg1060His; replaces arginine 1060 with histidine.
Molecular consequence: missense variant.
Genome position (GRCh38, 1-based): chr19:15,240,013, C>T on the plus strand (G>A on the coding strand, the complement: BRD4 is on the minus strand). VCF-style: chr19-15240013-C-T. GRCh37 (hg19) VCF-style: chr19-15350824-C-T.
Other names: c.3179G>A, p.Arg1060His (NM_058243.3); short protein forms R1060H.
Identifiers: ClinVar variation 2751458 (VCV002751458.3), dbSNP rs148664288, ClinGen allele CA9264759.
Genomic context (GRCh38, chr19:15,240,013, plus strand): 5'-GTCAGGCTCTGGAACTGTGACATCTGGGGGGAATGTATCATAAGCGGGGAGGGGGCTTCG[C>T]GGAGGTGACCTAGGAGAAGGGACAAGGAATGTGTCAAGGGGCTGGCTTAGAACTGCTGGC-3'
Protein context (NP_001366220.1, residues 1050-1070): KSDPYSTGHL[Arg1060His]EAPSPLMIHS

ClinVar aggregate classification (germline): Uncertain significance (1 of 4 stars; one submission).

Allele frequency attached by ClinVar (database versions not stated): TOPMed 0.00012; ExAC 0.00003; gnomAD exomes 0.00005; gnomAD 0.00013; ESP Exome Variant Server 0.00015.
gnomAD v4.1: 92 of 1,610,782 alleles (0.0057%); highest among the groups gnomAD compares: African/African-American, 0.033%; no homozygotes.

Submission:

Labcorp Genetics (formerly Invitae), Labcorp
Classification: Uncertain significance. Last evaluated: 2025-11-05. Review status: criteria provided, single submitter. Criteria: Invitae Variant Classification Sherloc (09022015). Collection method: clinical testing. Allele origin: germline.
Comment: This sequence change replaces arginine, which is basic and polar, with histidine, which is basic and polar, at codon 1060 of the BRD4 protein (p.Arg1060His). This variant is present in population databases (rs148664288, gnomAD 0.03%). This variant has not been reported in the literature in individuals affected with BRD4-related conditions. ClinVar contains an entry for this variant (Variation ID: 2751458). An algorithm developed to predict the effect of missense changes on protein structure and function (PolyPhen-2) suggests that this variant is likely to be disruptive. In summary, the available evidence is currently insufficient to determine the role of this variant in disease. Therefore, it has been classified as a Variant of Uncertain Significance.